The following is an entry in ClinVar:

ClinVar aggregate classification (germline): Uncertain significance. Review status: criteria provided, multiple submitters, no conflicts (2 of 4 stars). 2 submissions from 2 submitters: Uncertain significance (2). Last evaluated 2026-06-15.

Conditions:
LRP2-related disorder. Also called: LRP2-related condition.

gnomAD v4.1: 3 of 1,613,962 alleles (0.00019%); highest among the groups gnomAD compares: Non-Finnish European, 0.00025%; no homozygotes.

Submissions (2):

PreventionGenetics, part of Exact Sciences
Classification: Uncertain significance for LRP2-related condition. Last evaluated: 2026-06-15. Review status: criteria provided, single submitter. Criteria: ACMG Guidelines, 2015. Collection method: clinical testing. Allele origin: germline.
Comment: The LRP2 c.11821A>G variant is predicted to result in the amino acid substitution p.Ile3941Val. To our knowledge, this variant has not been reported in the literature. This variant is reported in 0.00088% of alleles in individuals of European (Non-Finnish) descent in gnomAD. At this time, the clinical significance of this variant is uncertain due to the absence of conclusive functional and genetic evidence.

Blueprint Genetics
Classification: Uncertain significance. Last evaluated: 2021-05-21. Review status: criteria provided, single submitter. Criteria: ACMG Guidelines, 2015. Collection method: clinical testing. Allele origin: germline.

NM_004525.3(LRP2):c.11821A>G (p.Ile3941Val)

Gene: LRP2 (LDL receptor related protein 2; minus strand). Cytogenetic location: 2q31.1.
Variant type: single nucleotide variant.
Coding change: c.11821A>G on transcript NM_004525.3 (MANE Select); coding-DNA position 11821, A replaced by G.
Protein change: p.Ile3941Val; replaces isoleucine 3941 with valine.
Molecular consequence: missense variant.
Genome position (GRCh38, 1-based): chr2:169,162,538, T>C on the plus strand (A>G on the coding strand, the complement: LRP2 is on the minus strand). VCF-style: chr2-169162538-T-C. GRCh37 (hg19) VCF-style: chr2-170019048-T-C.
Other names: c.11821A>G (NM_004525.2); short protein forms I3941V.
Identifiers: ClinVar variation 4957579 (VCV004957579.2).